The following is an entry in ClinVar:

ClinVar aggregate classification (germline): Uncertain significance (1 of 4 stars; one submission).

Allele frequency attached by ClinVar (database versions not stated): ExAC 0.00001.
gnomAD v4.1: 9 of 1,614,044 alleles (0.00056%); highest among the groups gnomAD compares: South Asian, 0.0011%; no homozygotes.

Submission:

Labcorp Genetics (formerly Invitae), Labcorp
Classification: Uncertain significance. Last evaluated: 2022-06-13. Review status: criteria provided, single submitter. Criteria: Invitae Variant Classification Sherloc (09022015). Collection method: clinical testing. Allele origin: germline.
Comment: This sequence change replaces arginine, which is basic and polar, with glutamine, which is neutral and polar, at codon 265 of the BCS1L protein (p.Arg265Gln). This variant is present in population databases (rs776401479, gnomAD 0.003%). This variant has not been reported in the literature in individuals affected with BCS1L-related conditions. Advanced modeling of protein sequence and biophysical properties (such as structural, functional, and spatial information, amino acid conservation, physicochemical variation, residue mobility, and thermodynamic stability) performed at Invitae indicates that this missense variant is expected to disrupt BCS1L protein function. In summary, the available evidence is currently insufficient to determine the role of this variant in disease. Therefore, it has been classified as a Variant of Uncertain Significance.

NM_001079866.2(BCS1L):c.794G>A (p.Arg265Gln)

Gene: BCS1L (BCS1 homolog, ubiquinol-cytochrome c reductase complex chaperone; plus strand). Cytogenetic location: 2q35.
Variant type: single nucleotide variant.
Coding change: c.794G>A on transcript NM_001079866.2 (MANE Select); coding-DNA position 794, G replaced by A.
Protein change: p.Arg265Gln; replaces arginine 265 with glutamine.
Molecular consequence: missense variant. On other transcripts: non-coding transcript variant (1).
Genome position (GRCh38, 1-based): chr2:218,662,584, G>A. VCF-style: chr2-218662584-G-A. GRCh37 (hg19) VCF-style: chr2-219527307-G-A.
Other names: c.794G>A, p.Arg265Gln (NM_001257342.2, NM_001257343.2, NM_001257344.2 and 10 more transcripts); c.434G>A, p.Arg145Gln (NM_001318836.2, NM_001371451.1); c.293G>A, p.Arg98Gln (NM_001371452.1, NM_001371453.1, NM_001371454.1 and 3 more transcripts); short protein forms R145Q, R265Q, R98Q.
Identifiers: ClinVar variation 2148055 (VCV002148055.1), dbSNP rs776401479, ClinGen allele CA2109762.